The following is an entry in ClinVar:

NM_001038.6(SCNN1A):c.875+3_875+6del

Gene: SCNN1A (sodium channel epithelial 1 subunit alpha; minus strand). Cytogenetic location: 12p13.31.
Variant type: Deletion.
Coding change: c.875+3_875+6del on transcript NM_001038.6 (MANE Select); bases 3 to 6 of the intron after coding-DNA position 875, 4 bases deleted (GAGT; older notation c.875+3_875+6delGAGT).
Molecular consequence: splice donor variant.
Genome position (GRCh38, 1-based): chr12:6,362,045-6,362,048, ACTC deleted on the plus strand (GAGT on the coding strand, the reverse complement: SCNN1A is on the minus strand); deleting any 4 consecutive bases within chr12:6,362,045-6,362,050 gives the same sequence; the c. name uses the placement nearest the transcript's 3' end. VCF-style (leftmost placement, unchanged base first): chr12-6362044-GACTC-G. GRCh37 (hg19) VCF-style: chr12-6471210-GACTC-G.
Other names: c.944+3_944+6del (NM_001159575.2); c.1052+3_1052+6del (NM_001159576.2).
Identifiers: ClinVar variation 3061103 (VCV003061103.3), dbSNP rs2497879030, ClinGen allele CA2695215998.
Genomic context (GRCh38, chr12:6,362,044, plus strand): 5'-AGGGCGTGAGGCTGACCCAGGGAAGCGGACCCCGCGGAGAGCAAGGAGCCAGGCAGGACT[GACTC>G]ACGCCTGGTTGCAGGAGACCTGGTTGAAGCGGCAGGCGAAGATGAAGTTGCCCAGCGTGT-3'

ClinVar aggregate classification (germline): Likely pathogenic (1 of 4 stars; one submission).

Conditions:
SCNN1A-related disorder. Also called: SCNN1A-related disorders; SCNN1A-related condition.

Submission:

PreventionGenetics, part of Exact Sciences
Classification: Likely pathogenic for SCNN1A-related condition. Last evaluated: 2025-04-28. Review status: criteria provided, single submitter. Criteria: ACMG Guidelines, 2015. Collection method: clinical testing. Allele origin: germline.
Comment: The SCNN1A c.875+3_875+6delGAGT variant is predicted to result in an intronic deletion. This variant is predicted to decrease the strength of the canonical splice donor site (Alamut Visual Plus v1.6.1). This variant was reported in the homozygous state in three siblings with pseudohypoaldosteronism 1 (described as c.876+2delGAGT, Alzahrani et al. 2021. PubMed ID: 34258491). This variant has not been reported in a large population database (gnomAD), indicating this variant is rare. This variant is interpreted as likely pathogenic.